The following is an entry in ClinVar:

ClinVar aggregate classification (germline): Uncertain significance (1 of 4 stars; one submission).

Conditions:
Hereditary cancer-predisposing syndrome. Also called: Neoplastic Syndromes, Hereditary; Tumor predisposition; Hereditary neoplastic syndrome; Hereditary Cancer Syndrome. Identifiers: Orphanet 140162, MedGen C0027672, MeSH D009386, MONDO:0015356.

Submission:

Ambry Genetics
Classification: Uncertain significance for Hereditary cancer-predisposing syndrome. Last evaluated: 2026-07-02. Review status: criteria provided, single submitter. Criteria: Ambry Variant Classification Scheme 2023. Collection method: clinical testing. Allele origin: germline.
Comment: The p.L139S variant (also known as c.416T>C), located in coding exon 4 of the CDH1 gene, results from a T to C substitution at nucleotide position 416. The leucine at codon 139 is replaced by serine, an amino acid with dissimilar properties. This amino acid position is conserved. In addition, this alteration is predicted to be tolerated by in silico analysis. Based on the available evidence, the clinical significance of this variant remains unclear.

NM_004360.5(CDH1):c.416T>C (p.Leu139Ser)

Gene: CDH1 (cadherin 1; plus strand). Cytogenetic location: 16q22.1.
Variant type: single nucleotide variant.
Coding change: c.416T>C on transcript NM_004360.5 (MANE Select); coding-DNA position 416, T replaced by C.
Protein change: p.Leu139Ser; replaces leucine 139 with serine.
Molecular consequence: missense variant. On other transcripts: 5 prime UTR variant (2).
Genome position (GRCh38, 1-based): chr16:68,808,452, T>C. VCF-style: chr16-68808452-T-C. GRCh37 (hg19) VCF-style: chr16-68842355-T-C.
Other names: c.416T>C, p.Leu139Ser (NM_001317184.2); c.-1200T>C (NM_001317185.2); c.-1404T>C (NM_001317186.2); short protein forms L139S.
Identifiers: ClinVar variation 5033883 (VCV005033883.1).